The following is an entry in ClinVar:

NM_001040108.2(MLH3):c.3666G>T (p.Val1222=)

Gene: MLH3 (mutL homolog 3; minus strand). Cytogenetic location: 14q24.3.
Variant type: single nucleotide variant.
Coding change: c.3666G>T on transcript NM_001040108.2 (MANE Select); coding-DNA position 3666, G replaced by T.
Protein change: p.Val1222=; no amino-acid change (valine 1222 retained).
Molecular consequence: synonymous variant. On other transcripts: intron variant (1).
Genome position (GRCh38, 1-based): chr14:75,033,468, C>A on the plus strand (G>T on the coding strand, the complement: MLH3 is on the minus strand). VCF-style: chr14-75033468-C-A. GRCh37 (hg19) VCF-style: chr14-75500171-C-A.
Other names: c.3644-1289G>T (NM_014381.3).
Identifiers: ClinVar variation 1733727 (VCV001733727.3), dbSNP rs1891185877, ClinGen allele CA487176150.

ClinVar aggregate classification (germline): Benign/Likely benign. Review status: criteria provided, multiple submitters, no conflicts (2 of 4 stars). 2 submissions from 2 submitters: Benign (1); Likely benign (1). Last evaluated 2026-05-06.

Conditions:
Colorectal cancer, hereditary nonpolyposis, type 7. Identifiers: Orphanet 144, MedGen C1858380, MONDO:0013725, OMIM 614385.

Allele frequency attached by ClinVar (database versions not stated): gnomAD exomes 0.00001.
gnomAD v4.1: 8 of 1,613,990 alleles (0.0005%); highest among the groups gnomAD compares: Non-Finnish European, 0.00068%; no homozygotes.

Submissions (2):

Myriad Genetics, Inc.
Classification: Benign for Colorectal cancer, hereditary nonpolyposis, type 7. Last evaluated: 2026-05-06. Review status: criteria provided, single submitter. Criteria: Myriad Autosomal Dominant, Autosomal Recessive and X-Linked Classification Criteria (2023). Collection method: clinical testing. Allele origin: unknown.
Comment: This variant is considered benign. This variant is a silent/synonymous amino acid change and it is not expected to impact splicing.

Ambry Genetics
Classification: Likely benign. Last evaluated: 2020-07-26. Review status: criteria provided, single submitter. Criteria: Ambry Variant Classification Scheme 2023. Collection method: clinical testing. Allele origin: germline.